The following is an entry in ClinVar:

NM_012340.5(NFATC2):c.1322C>G (p.Pro441Arg)

Gene: NFATC2 (nuclear factor of activated T cells 2; minus strand). Cytogenetic location: 20q13.2.
Variant type: single nucleotide variant.
Coding change: c.1322C>G on transcript NM_012340.5 (MANE Select); coding-DNA position 1322, C replaced by G.
Protein change: p.Pro441Arg; replaces proline 441 with arginine.
Molecular consequence: missense variant.
Genome position (GRCh38, 1-based): chr20:51,516,794, G>C on the plus strand (C>G on the coding strand, the complement: NFATC2 is on the minus strand). VCF-style: chr20-51516794-G-C. GRCh37 (hg19) VCF-style: chr20-50133333-G-C.
Other names: c.1262C>G, p.Pro421Arg (NM_001136021.3, NM_001258292.2); c.665C>G, p.Pro222Arg (NM_001258294.2, NM_001258295.2, NM_001258296.2 and 1 more transcripts); c.1322C>G, p.Pro441Arg (NM_173091.4); short protein forms P222R, P421R, P441R.
Identifiers: ClinVar variation 3774331 (VCV003774331.2).
Genomic context (GRCh38, chr20:51,516,794, plus strand): 5'-CTCTTAGTGACAAACACCACACACAAAAGGAAGAGCATTCAAGTCCATACCTGAACCACA[G>C]GGTGGCCTCCAGTTGGAGCTTTGACAGCCCCTCGGCTGCCTTCTGTCTCATAGTGGGCCC-3'
Protein context (NP_036472.2, residues 431-451): GAVKAPTGGH[Pro441Arg]VVQLHGYMEN

ClinVar aggregate classification (germline): Uncertain significance (1 of 4 stars; one submission).

Conditions:
Joint contractures, osteochondromas, and B-cell lymphoma. Also called: NFAT1 DEFICIENCY; Joint contracture, osteochondromas, and B-cell lymphoma. Identifiers: MedGen C5774305, MONDO:0859369, OMIM 620232.

gnomAD v4.1: 1 of 1,609,190 alleles (0.000062%); highest among the groups gnomAD compares: African/African-American, 0.0013%; no homozygotes.

Submission:

Kasturba Medical College, Manipal, Kasturba Medical College, Manipal, Manipal Academy of Higher Education, Manipal, India
Classification: Uncertain significance for Joint contractures, osteochondromas, and B-cell lymphoma. Review status: criteria provided, single submitter. Criteria: ACMG Guidelines, 2015. Collection method: research. Allele origin: germline. Inheritance: Autosomal recessive inheritance. Affected: yes. Observed: 1 homozygote.
Comment: The variant is absent in homozygous state and present in one individual in heterozygous state in gnomAD (v4.1.0). This variant is absent in homozygous and/or heterozygous state in our in-house database of 3536 exomes. In-silico analysis tools (REVEL, CADD_phred) predict the variant as disease-causing and likely to affect the NFATC2 function. Biallelic variants in NFATC2 have recently been associated with joint contracture, osteochondromas, and B-cell lymphoma (MIM #620232), characterized by the development of painless fixed contractures of the joints in early childhood, osteopenia, osteochondromas, and exostoses (Sharma et al., 2022).

Literature cited by the submitters: PubMed 35789258.